The following is an entry in ClinVar:

NM_015087.5(SPART):c.43A>G (p.Ile15Val)

Gene: SPART (spartin; minus strand). Cytogenetic location: 13q13.3.
Variant type: single nucleotide variant.
Coding change: c.43A>G on transcript NM_015087.5 (MANE Select); coding-DNA position 43, A replaced by G.
Protein change: p.Ile15Val; replaces isoleucine 15 with valine.
Molecular consequence: missense variant.
Genome position (GRCh38, 1-based): chr13:36,335,788, T>C on the plus strand (A>G on the coding strand, the complement: SPART is on the minus strand). VCF-style: chr13-36335788-T-C. GRCh37 (hg19) VCF-style: chr13-36909925-T-C.
Other names: c.43A>G (NM_015087.4); c.43A>G, p.Ile15Val (NM_001142294.2, NM_001142295.2, NM_001142296.2); short protein forms I15V.
Identifiers: ClinVar variation 2202636 (VCV002202636.4), dbSNP rs751312901, ClinGen allele CA6949699.

ClinVar aggregate classification (germline): Uncertain significance. Review status: criteria provided, multiple submitters, no conflicts (2 of 4 stars). 2 submissions from 2 submitters: Uncertain significance (2). Last evaluated 2025-08-28.

Conditions:
Inborn genetic diseases. Identifiers: MedGen C0950123, MeSH D030342.

Allele frequency attached by ClinVar (database versions not stated): gnomAD 0.00001; ExAC 0.00003; TOPMed 0.00003; gnomAD exomes 0.00006.
gnomAD v4.1: 80 of 1,613,580 alleles (0.005%); highest among the groups gnomAD compares: Non-Finnish European, 0.0066%; no homozygotes.

Submissions (2):

Ambry Genetics
Classification: Uncertain significance for Inborn genetic diseases. Last evaluated: 2025-08-28. Review status: criteria provided, single submitter. Criteria: Ambry Variant Classification Scheme 2023. Collection method: clinical testing. Allele origin: germline.

Labcorp Genetics (formerly Invitae), Labcorp
Classification: Uncertain significance. Last evaluated: 2022-06-27. Review status: criteria provided, single submitter. Criteria: Invitae Variant Classification Sherloc (09022015). Collection method: clinical testing. Allele origin: germline.
Comment: This sequence change replaces isoleucine, which is neutral and non-polar, with valine, which is neutral and non-polar, at codon 15 of the SPART protein (p.Ile15Val). This variant is present in population databases (rs751312901, gnomAD 0.005%). This variant has not been reported in the literature in individuals affected with SPART-related conditions. Algorithms developed to predict the effect of missense changes on protein structure and function (SIFT, PolyPhen-2, Align-GVGD) all suggest that this variant is likely to be tolerated. Algorithms developed to predict the effect of sequence changes on RNA splicing suggest that this variant may create or strengthen a splice site. In summary, the available evidence is currently insufficient to determine the role of this variant in disease. Therefore, it has been classified as a Variant of Uncertain Significance.